The following is an entry in ClinVar:

ClinVar aggregate classification (germline): Uncertain significance. Review status: criteria provided, multiple submitters, no conflicts (2 of 4 stars). 2 submissions from 2 submitters: Uncertain significance (2). Last evaluated 2025-10-28.

Submissions (2):

Women's Health and Genetics/Laboratory Corporation of America, LabCorp
Classification: Uncertain significance. Last evaluated: 2025-10-28. Review status: criteria provided, single submitter. Criteria: LabCorp Variant Classification Summary - May 2015. Collection method: clinical testing. Allele origin: germline.
Comment: Variant summary: AEBP1 c.1895G>C (p.Arg632Pro) results in a non-conservative amino acid change in the encoded protein sequence. Algorithms developed to predict the effect of missense changes on protein structure and function are either unavailable or do not agree on the potential impact of this missense change. The variant allele was found at a frequency of 6e-05 in 250354 control chromosomes. This frequency is not significantly higher than estimated for disease-causing variants in AEBP1, allowing no conclusion about variant significance. To our knowledge, no occurrence of c.1895G>C in individuals affected with AEBP1-related conditions and no experimental evidence demonstrating its impact on protein function have been reported. ClinVar contains an entry for this variant (Variation ID: 2184092). Based on the evidence outlined above, the variant was classified as uncertain significance.

Labcorp Genetics (formerly Invitae), Labcorp
Classification: Uncertain significance. Last evaluated: 2022-01-27. Review status: criteria provided, single submitter. Criteria: Invitae Variant Classification Sherloc (09022015). Collection method: clinical testing. Allele origin: germline.
Comment: This sequence change replaces arginine, which is basic and polar, with proline, which is neutral and non-polar, at codon 632 of the AEBP1 protein (p.Arg632Pro). This variant is present in population databases (rs770223691, gnomAD 0.1%). This variant has not been reported in the literature in individuals affected with AEBP1-related conditions. Algorithms developed to predict the effect of missense changes on protein structure and function (SIFT, PolyPhen-2, Align-GVGD) all suggest that this variant is likely to be disruptive. In summary, the available evidence is currently insufficient to determine the role of this variant in disease. Therefore, it has been classified as a Variant of Uncertain Significance.

NM_001129.5(AEBP1):c.1895G>C (p.Arg632Pro)

Gene: AEBP1 (AE binding protein 1; plus strand). Cytogenetic location: 7p13.
Variant type: single nucleotide variant.
Coding change: c.1895G>C on transcript NM_001129.5 (MANE Select); coding-DNA position 1895, G replaced by C.
Protein change: p.Arg632Pro; replaces arginine 632 with proline.
Molecular consequence: missense variant.
Genome position (GRCh38, 1-based): chr7:44,111,908, G>C. VCF-style: chr7-44111908-G-C. GRCh37 (hg19) VCF-style: chr7-44151507-G-C.
Other names: short protein forms R632P.
Identifiers: ClinVar variation 2184092 (VCV002184092.3), dbSNP rs770223691, ClinGen allele CA4238048.